The following is an entry in ClinVar:

NM_014679.5(CEP57):c.3G>A (p.Met1Ile)

Genes: CEP57 (centrosomal protein 57; plus strand), LOC130006618 (ATAC-STARR-seq lymphoblastoid active region 5417; plus strand). Cytogenetic location: 11q21.
Variant type: single nucleotide variant.
Coding change: c.3G>A on transcript NM_014679.5 (MANE Select); coding-DNA position 3, G replaced by A.
Protein change: p.Met1Ile; changes the start codon (methionine 1).
Molecular consequence: missense variant, initiator codon variant. On other transcripts: 5 prime UTR variant (2).
Genome position (GRCh38, 1-based): chr11:95,790,701, G>A. VCF-style: chr11-95790701-G-A. GRCh37 (hg19) VCF-style: chr11-95523865-G-A.
Other names: c.-69G>A (NM_001243776.2); c.3G>A, p.Met1Ile (NM_001243777.2); c.-392G>A (NM_001363604.2); short protein forms M1I.
Identifiers: ClinVar variation 1391979 (VCV001391979.8), dbSNP rs1017500720, ClinGen allele CA226609212.

ClinVar aggregate classification (germline): Uncertain significance (1 of 4 stars; one submission).

Conditions:
Mosaic variegated aneuploidy syndrome 2 (MVA2). Identifiers: Orphanet 1052, MedGen C3279843, MONDO:0013582, OMIM 614114.

Allele frequency attached by ClinVar (database versions not stated): gnomAD exomes below 0.00001 and 0.00001; TOPMed below 0.00001.

Submission:

Labcorp Genetics (formerly Invitae), Labcorp
Classification: Uncertain significance for Mosaic variegated aneuploidy syndrome 2. Last evaluated: 2025-09-17. Review status: criteria provided, single submitter. Criteria: Invitae Variant Classification Sherloc (09022015). Collection method: clinical testing. Allele origin: germline.
Comment: This sequence change affects the initiator codon of the CEP57 mRNA. This change may impact translation initiation or efficiency. The next in-frame methionine is located at codon 28. This variant is present in population databases (no rsID available, gnomAD 0.006%). This variant has not been reported in the literature in individuals affected with CEP57-related conditions. ClinVar contains an entry for this variant (Variation ID: 1391979). Experimental studies and prediction algorithms are not available or were not evaluated, and the functional significance of this variant is currently unknown. In summary, the available evidence is currently insufficient to determine the role of this variant in disease. Therefore, it has been classified as a Variant of Uncertain Significance.